The following is an entry in ClinVar:

NM_000059.4(BRCA2):c.8607del (p.Gln2870fs)

Gene: BRCA2 (BRCA2 DNA repair associated; plus strand). Cytogenetic location: 13q13.1.
Variant type: Deletion.
Coding change: c.8607del on transcript NM_000059.4 (MANE Select); coding-DNA position 8607, one base deleted (T; older notation c.8607delT).
Protein change: p.Gln2870fs; shifts the reading frame from glutamine 2870.
Molecular consequence: frameshift variant.
Genome position (GRCh38, 1-based): chr13:32,371,075, T deleted; the last of 2 consecutive T bases (chr13:32,371,074-32,371,075); deleting either gives the same sequence. VCF-style (leftmost placement, unchanged base first): chr13-32371073-AT-A. GRCh37 (hg19) VCF-style: chr13-32945210-AT-A.
Other names: c.8607delT (NM_000059.3); short protein forms Q2870fs.
Identifiers: ClinVar variation 409569 (VCV000409569.12), dbSNP rs1060502471, ClinGen allele CA16614011.

ClinVar aggregate classification (germline): Pathogenic. Review status: reviewed by expert panel (3 of 4 stars). 3 submissions from 3 submitters: Pathogenic (1). 2 of the submissions do not count toward it. Last evaluated 2017-12-15.

Conditions:
Hereditary cancer-predisposing syndrome. Also called: Hereditary neoplastic syndrome; Neoplastic Syndromes, Hereditary; Tumor predisposition; Hereditary Cancer Syndrome. Identifiers: Orphanet 140162, MedGen C0027672, MeSH D009386, MONDO:0015356.
Hereditary breast ovarian cancer syndrome. Also called: Hereditary breast and ovarian cancer syndrome; Hereditary breast and/or ovarian cancer syndrome; BRCA1- and BRCA2-Associated Hereditary Breast and Ovarian Cancer; Hereditary breast and ovarian cancer syndrome (HBOC); Hereditary breast and ovarian cancer; Breast and ovarian cancer. Identifiers: Orphanet 145, MedGen C0677776, MeSH D061325, MONDO:0003582. Disease mechanism: loss of function.
Breast-ovarian cancer, familial, susceptibility to, 2 (BROVCA2). Also called: BRCA2 Hereditary Breast and Ovarian Cancer. Identifiers: Orphanet 145, MedGen C2675520, MONDO:0012933, OMIM 612555. Disease mechanism: loss of function.

Submissions (3):

Evidence-based Network for the Interpretation of Germline Mutant Alleles (ENIGMA)
Classification: Pathogenic for Breast-ovarian cancer, familial, susceptibility to, 2. Last evaluated: 2017-12-15. Review status: reviewed by expert panel. Criteria: ENIGMA BRCA1/2 Classification Criteria (2017-06-29). Collection method: curation. Allele origin: germline. Study: ENIGMA.
Comment: Variant allele predicted to encode a truncated non-functional protein.

Color Diagnostics, LLC DBA Color Health
Classification: Pathogenic for Hereditary cancer-predisposing syndrome. Last evaluated: 2020-05-15. Review status: criteria provided, single submitter. Criteria: ACMG Guidelines, 2015. Collection method: clinical testing. Allele origin: germline. Not counted in ClinVar's aggregate classification.
Comment: This variant deletes 1 nucleotide in exon 20 of the BRCA2 gene, creating a frameshift and premature translation stop signal. This variant is expected to result in an absent or non-functional protein product. To our knowledge, this variant has not been reported in individuals affected with hereditary cancer in the literature. This variant has not been identified in the general population by the Genome Aggregation Database (gnomAD). Loss of BRCA2 function is a known mechanism of disease. Based on the available evidence, this variant is classified as Pathogenic.

Labcorp Genetics (formerly Invitae), Labcorp
Classification: Pathogenic for Hereditary breast ovarian cancer syndrome. Last evaluated: 2019-06-12. Review status: criteria provided, single submitter. Criteria: Invitae Variant Classification Sherloc (09022015). Collection method: clinical testing. Allele origin: germline. Not counted in ClinVar's aggregate classification.
Comment: This variant is not present in population databases (ExAC no frequency). This sequence change creates a premature translational stop signal (p.Gln2870Argfs*21) in the BRCA2 gene. It is expected to result in an absent or disrupted protein product. This variant has not been reported in the literature in individuals with BRCA2-related conditions. Loss-of-function variants in BRCA2 are known to be pathogenic (PMID: 20104584). For these reasons, this variant has been classified as Pathogenic.

Literature cited by the submitters: PubMed 20104584 (cited by Labcorp Genetics (formerly Invitae), Labcorp).